The following is an entry in ClinVar:

ClinVar aggregate classification (germline): Uncertain significance (1 of 4 stars; one submission).

Conditions:
Hereditary cancer-predisposing syndrome. Also called: Neoplastic Syndromes, Hereditary; Tumor predisposition; Hereditary Cancer Syndrome; Hereditary neoplastic syndrome. Identifiers: Orphanet 140162, MedGen C0027672, MeSH D009386, MONDO:0015356.

gnomAD v4.1: 1 of 1,614,256 alleles (0.000062%); highest among the groups gnomAD compares: Non-Finnish European, 0.000085%; no homozygotes.

Submission:

Ambry Genetics
Classification: Uncertain significance for Hereditary cancer-predisposing syndrome. Last evaluated: 2026-07-31. Review status: criteria provided, single submitter. Criteria: Ambry Variant Classification Scheme 2023. Collection method: clinical testing. Allele origin: germline.
Comment: The p.Q1482* variant (also known as c.4444C>T), located in coding exon 29 of the ALK gene, results from a C to T substitution at nucleotide position 4444. This changes the amino acid from a glutamine to a stop codon within coding exon 29. This variant occurs at the 3' terminus of the gene and is not expected to trigger nonsense-mediated mRNA decay. Based on the available evidence, the clinical significance of this variant remains unclear.

NM_004304.5(ALK):c.4444C>T (p.Gln1482Ter)

Gene: ALK (ALK receptor tyrosine kinase; minus strand). Cytogenetic location: 2p23.2.
Variant type: single nucleotide variant.
Coding change: c.4444C>T on transcript NM_004304.5 (MANE Select); coding-DNA position 4444, C replaced by T.
Protein change: p.Gln1482Ter; replaces glutamine 1482 with a stop codon.
Molecular consequence: nonsense.
Genome position (GRCh38, 1-based): chr2:29,193,643, G>A on the plus strand (C>T on the coding strand, the complement: ALK is on the minus strand). VCF-style: chr2-29193643-G-A. GRCh37 (hg19) VCF-style: chr2-29416509-G-A.
Other names: c.1240C>T, p.Gln414Ter (NM_001353765.2); short protein forms Q1482*, Q414*.
Identifiers: ClinVar variation 4869514 (VCV004869514.2).
Genomic context (GRCh38, chr2:29,193,643, plus strand): 5'-AGCTGGTGGGCTTGTTTCTGGATCCGTGGACCTTGTGCAACTCCGAAGGAGGGTTGGACT[G>A]AGAGAATGCCATATTCACGTGTCCCCCTTCCACGGCCGGCCCTCTAGGGACTCGAACAGA-3'